The following is an entry in ClinVar:

NM_002354.3(EPCAM):c.868A>G (p.Arg290Gly)

Gene: EPCAM (epithelial cell adhesion molecule; plus strand). Cytogenetic location: 2p21.
Variant type: single nucleotide variant.
Coding change: c.868A>G on transcript NM_002354.3 (MANE Select); coding-DNA position 868, A replaced by G.
Protein change: p.Arg290Gly; replaces arginine 290 with glycine.
Molecular consequence: missense variant.
Genome position (GRCh38, 1-based): chr2:47,385,175, A>G. VCF-style: chr2-47385175-A-G. GRCh37 (hg19) VCF-style: chr2-47612314-A-G.
Other names: short protein forms R290G.
Identifiers: ClinVar variation 1764303 (VCV001764303.3), dbSNP rs2103768486, ClinGen allele CA346725275.
Genomic context (GRCh38, chr2:47,385,175, plus strand): 5'-TCTTTTTTTGAATAGCAGTCCTAAAACAATAGTTGTCTTTCTTCCACTCAGGTTATTTCC[A>G]GAAAGAAGAGAATGGCAAAGTATGAGAAGGCTGAGGTAAATGGATTACTTACCTAAATAG-3'
Protein context (NP_002345.2, residues 280-300): VAGIVVLVIS[Arg290Gly]KKRMAKYEKA

ClinVar aggregate classification (germline): Uncertain significance (1 of 4 stars; one submission).

Conditions:
Hereditary cancer-predisposing syndrome. Also called: Neoplastic Syndromes, Hereditary; Tumor predisposition; Hereditary Cancer Syndrome; Hereditary neoplastic syndrome. Identifiers: Orphanet 140162, MedGen C0027672, MeSH D009386, MONDO:0015356.

Allele frequency attached by ClinVar (database versions not stated): gnomAD 0.00001.
gnomAD v4.1: 1 of 1,612,904 alleles (0.000062%); highest among the groups gnomAD compares: East Asian, 0.0022%; no homozygotes.

Submission:

Ambry Genetics
Classification: Uncertain significance for Hereditary cancer-predisposing syndrome. Last evaluated: 2024-07-23. Review status: criteria provided, single submitter. Criteria: Ambry Variant Classification Scheme 2023. Collection method: clinical testing. Allele origin: germline.
Comment: The p.R290G variant (also known as c.868A>G), located in coding exon 8 of the EPCAM gene, results from an A to G substitution at nucleotide position 868. The arginine at codon 290 is replaced by glycine, an amino acid with dissimilar properties. This amino acid position is conserved. In addition, the in silico prediction for this alteration is inconclusive. Since supporting evidence is limited at this time, the clinical significance of this alteration remains unclear.